The following is an entry in ClinVar:

ClinVar aggregate classification (germline): Uncertain significance (1 of 4 stars; one submission).

Conditions:
Emery-Dreifuss muscular dystrophy (EDMD). Also called: Scapuloperoneal syndrome, X-linked (formerly); Humeroperoneal neuromuscular disease, (formerly). Identifiers: Orphanet 261, MedGen C0410189, MONDO:0016830.

Submission:

Labcorp Genetics (formerly Invitae), Labcorp
Classification: Uncertain significance for Emery-Dreifuss muscular dystrophy. Last evaluated: 2025-06-22. Review status: criteria provided, single submitter. Criteria: Invitae Variant Classification Sherloc (09022015). Collection method: clinical testing. Allele origin: germline.
Comment: This sequence change replaces glutamine, which is neutral and polar, with arginine, which is basic and polar, at codon 390 of the SUN2 protein (p.Gln390Arg). This variant is not present in population databases (gnomAD no frequency). This variant has not been reported in the literature in individuals affected with SUN2-related conditions. An algorithm developed to predict the effect of missense changes on protein structure and function (PolyPhen-2) suggests that this variant is likely to be tolerated. In summary, the available evidence is currently insufficient to determine the role of this variant in disease. Therefore, it has been classified as a Variant of Uncertain Significance.

NM_015374.3(SUN2):c.1169A>G (p.Gln390Arg)

Genes: GTPBP1 (GTP binding protein 1; plus strand), SUN2 (Sad1 and UNC84 domain containing 2; minus strand). Cytogenetic location: 22q13.1.
Variant type: single nucleotide variant.
Coding change: c.1169A>G on transcript NM_015374.3 (MANE Select); coding-DNA position 1169, A replaced by G.
Protein change: p.Gln390Arg; replaces glutamine 390 with arginine.
Molecular consequence: missense variant. On other transcripts: intron variant (3).
Genome position (GRCh38, 1-based): chr22:38,741,028, T>C on the plus strand (A>G on the coding strand, the complement: SUN2 is on the minus strand). VCF-style: chr22-38741028-T-C. GRCh37 (hg19) VCF-style: chr22-39137033-T-C.
Other names: c.1232A>G, p.Gln411Arg (NM_001199579.2, NM_001394428.1); c.1169A>G, p.Gln390Arg (NM_001199580.2, NM_001394431.1, NM_001394432.1 and 5 more transcripts); c.1262A>G, p.Gln421Arg (NM_001394427.1); c.1214A>G, p.Gln405Arg (NM_001394429.1, NM_001394430.1); c.1079A>G, p.Gln360Arg (NM_001394438.1); c.1031A>G, p.Gln344Arg (NM_001394439.1, NM_001394440.1, NM_001394441.1); c.677A>G, p.Gln226Arg (NM_001394443.1); c.615-596A>G (NM_001394444.1, NM_001394445.1); and 1 more; short protein forms Q226R, Q360R, Q344R, Q405R, Q411R, Q390R, Q421R.
Identifiers: ClinVar variation 4721952 (VCV004721952.1).